The following is an entry in ClinVar:

NM_018136.5(ASPM):c.8161TAT[1] (p.Tyr2722del)

Gene: ASPM (assembly factor for spindle microtubules; minus strand). Cytogenetic location: 1q31.3.
Variant type: Microsatellite.
Coding change: c.8161TAT[1] on transcript NM_018136.5 (MANE Select); one copy of the 3-base unit TAT starting at c.8161; the reference has two copies in a row; one copy, 3 bases deleted.
Protein change: p.Tyr2722del; deletes tyrosine 2722.
Molecular consequence: inframe deletion. On other transcripts: intron variant (1).
Genome position (GRCh38, 1-based): chr1:197,101,085-197,101,087, ATA deleted on the plus strand (TAT on the coding strand, the reverse complement: ASPM is on the minus strand); deleting any 3 consecutive bases within chr1:197,101,085-197,101,092 gives the same sequence; the position shown is the placement nearest the transcript's 3' end. VCF-style (leftmost placement, unchanged base first): chr1-197101084-TATA-T. GRCh37 (hg19) VCF-style: chr1-197070214-TATA-T.
Other names: c.4066-4923_4066-4921del (NM_001206846.2); short protein forms Y2722del.
Identifiers: ClinVar variation 1417954 (VCV001417954.3), dbSNP rs1223631450, ClinGen allele CA528534960.

ClinVar aggregate classification (germline): Uncertain significance (1 of 4 stars; one submission).

Submission:

Labcorp Genetics (formerly Invitae), Labcorp
Classification: Uncertain significance. Last evaluated: 2021-11-06. Review status: criteria provided, single submitter. Criteria: Invitae Variant Classification Sherloc (09022015). Collection method: clinical testing. Allele origin: germline.
Comment: This variant, c.8164_8166del, results in the deletion of 1 amino acid(s) of the ASPM protein (p.Tyr2722del), but otherwise preserves the integrity of the reading frame. This variant is present in population databases (no rsID available, gnomAD 0.006%). This variant has not been reported in the literature in individuals affected with ASPM-related conditions. Experimental studies and prediction algorithms are not available or were not evaluated, and the functional significance of this variant is currently unknown. In summary, the available evidence is currently insufficient to determine the role of this variant in disease. Therefore, it has been classified as a Variant of Uncertain Significance.